The following is an entry in ClinVar:

NM_000044.6(AR):c.1370_1371insTGGCGGCGGCGG (p.Gly470_Gly473dup)

Gene: AR (androgen receptor; plus strand). Cytogenetic location: Xq12.
Variant type: Insertion.
Coding change: c.1370_1371insTGGCGGCGGCGG on transcript NM_000044.6 (MANE Select); coding-DNA positions 1370 to 1371, TGGCGGCGGCGG inserted.
Protein change: p.Gly470_Gly473dup.
Molecular consequence: inframe insertion. On other transcripts: 5 prime UTR variant (1).
Genome position: GRCh38 VCF-style: chrX-67546514-T-TGGTGGCGGCGGC. GRCh37 (hg19) VCF-style: chrX-66766356-T-TGGTGGCGGCGGC.
Other names: c.-414_-413insTGGCGGCGGCGG (NM_001011645.3); c.1370_1371insTGGCGGCGGCGG, p.Gly470_Gly473dup (NM_001348061.1, NM_001348063.1, NM_001348064.1).
Identifiers: ClinVar variation 1169431 (VCV001169431.32), dbSNP rs760580125, ClinGen allele CA877549825.

ClinVar aggregate classification (germline): Benign/Likely benign. Review status: criteria provided, multiple submitters, no conflicts (2 of 4 stars). 3 submissions from 3 submitters: Benign (2); Likely benign (1). Last evaluated 2026-01-04.

Conditions:
Androgen resistance syndrome (AIS). Also called: Androgen insensitivity syndrome due to coactivator deficiency; ANDROGEN RECEPTOR DEFICIENCY; DIHYDROTESTOSTERONE RECEPTOR DEFICIENCY; TESTICULAR FEMINIZATION SYNDROME; Androgen insensitivity; DHTR DEFICIENCY. Identifiers: Orphanet 754, Orphanet 99429, MedGen C0039585, MONDO:0019154, OMIM 300068. Disease mechanism: loss of function.
Kennedy disease (SMAX1). Also called: Spinal and Bulbar Muscular Atrophy; KENNEDY SPINAL AND BULBAR MUSCULAR ATROPHY; SPINAL AND BULBAR MUSCULAR ATROPHY, X-LINKED 1. Identifiers: Orphanet 481, MedGen C1839259, MONDO:0010735, OMIM 313200.

Submissions (3):

Labcorp Genetics (formerly Invitae), Labcorp
Classification: Benign for Kennedy disease; Androgen resistance syndrome. Last evaluated: 2026-01-04. Review status: criteria provided, single submitter. Criteria: Invitae Variant Classification Sherloc (09022015). Collection method: clinical testing. Allele origin: germline.

CeGaT Center for Human Genetics Tuebingen
Classification: Benign. Last evaluated: 2025-07-01. Review status: criteria provided, single submitter. Criteria: CeGaT Center For Human Genetics Tuebingen Variant Classification Criteria Version 2. Collection method: clinical testing. Allele origin: germline. Affected: yes. Observed: 3 variant alleles.
Comment: AR: BS1, BS2

Blueprint Genetics
Classification: Likely benign. Last evaluated: 2024-10-25. Review status: criteria provided, single submitter. Criteria: ACMG Guidelines, 2015. Collection method: clinical testing. Allele origin: germline.